The following is an entry in ClinVar:

ClinVar aggregate classification (germline): Conflicting classifications of pathogenicity. Review status: criteria provided, conflicting classifications (1 of 4 stars). 10 submissions from 10 submitters: Pathogenic (2); Likely pathogenic (3); Uncertain significance (4). 1 of the submissions does not count toward it. Last evaluated 2026-01-25.

Conditions:
Autosomal recessive limb-girdle muscular dystrophy. Identifiers: Orphanet 102015, MedGen C2931907, MONDO:0015152.
Inborn genetic diseases. Identifiers: MedGen C0950123, MeSH D030342.
Autosomal recessive limb-girdle muscular dystrophy type 2A (LGMDR1). Also called: Limb-girdle muscular dystrophy, type 2A; Calpainopathy; Muscular dystrophy, limb-girdle, type 2A, Amish; LEYDEN-MOEBIUS MUSCULAR DYSTROPHY; MUSCULAR DYSTROPHY, PELVOFEMORAL. Identifiers: Orphanet 267, MedGen C1869123, MONDO:0009675, OMIM 253600. Disease mechanism: loss of function.

Allele frequency attached by ClinVar (database versions not stated): gnomAD exomes below 0.00001; ExAC 0.00001; gnomAD 0.00003 and 0.00004; TOPMed 0.00004.
gnomAD v4.1: 8 of 1,613,886 alleles (0.0005%); highest among the groups gnomAD compares: African/African-American, 0.011%; no homozygotes.

Submissions (10):

Natera, Inc.
Classification: Likely pathogenic for Limb-girdle muscular dystrophy type 2A. Last evaluated: 2026-01-25. Review status: criteria provided, single submitter. Criteria: Natera Variant Classification Schema (03/2026). Collection method: clinical testing. Allele origin: germline.
Comment: The c.1001A>T variant in CAPN3 is a missense variant predicted to cause substitution of histidine to leucine at amino acid 334. This variant is rare in the general population with a frequency below the threshold expected for the associated phenotype(s). This variant has been observed in one or more individuals affected with the associated recessive disease, as either homozygous or compound heterozygous with a second variant (PMID: 30564623). This variant has been observed in affected individual(s) with monoallelic occurrence (heterozygous/hemizygous) (PMID: 30564623, 18055493). A different variant at the same position has been determined to be Pathogenic or Likely Pathogenic. Computational prediction algorithms indicate this variant is likely to affect gene or protein function. Given the available evidence, this variant is classified as Likely Pathogenic.

Labcorp Genetics (formerly Invitae), Labcorp
Classification: Pathogenic for Autosomal recessive limb-girdle muscular dystrophy type 2A. Last evaluated: 2025-12-30. Review status: criteria provided, single submitter. Criteria: Invitae Variant Classification Sherloc (09022015). Collection method: clinical testing. Allele origin: germline.
Comment: This sequence change replaces histidine, which is basic and polar, with leucine, which is neutral and non-polar, at codon 334 of the CAPN3 protein (p.His334Leu). This variant is present in population databases (rs749863676, gnomAD 0.01%). This missense change has been observed in individual(s) with autosomal recessive CAPN3-related conditions (PMID: 18055493, 30564623; internal data). In at least one individual the data is consistent with being in trans (on the opposite chromosome) from a pathogenic variant. ClinVar contains an entry for this variant (Variation ID: 285580). Invitae Evidence Modeling of protein sequence and biophysical properties (such as structural, functional, and spatial information, amino acid conservation, physicochemical variation, residue mobility, and thermodynamic stability) indicates that this missense variant is expected to disrupt CAPN3 protein function with a positive predictive value of 80%. This variant disrupts the p.His334 amino acid residue in CAPN3. Other variant(s) that disrupt this residue have been determined to be pathogenic (PMID: 9150160). This suggests that this residue is clinically significant, and that variants that disrupt this residue are likely to be disease-causing. For these reasons, this variant has been classified as Pathogenic.

GeneDx
Classification: Uncertain significance. Last evaluated: 2025-12-27. Review status: criteria provided, single submitter. Criteria: GeneDx Variant Classification Process June 2021. Collection method: clinical testing. Allele origin: germline. Affected: yes.
Comment: In silico analysis supports that this missense variant has a deleterious effect on protein structure/function; This variant is associated with the following publications: (PMID: 18055493, 30564623)

Ambry Genetics
Classification: Pathogenic for Inborn genetic diseases. Last evaluated: 2025-06-24. Review status: criteria provided, single submitter. Criteria: Ambry Variant Classification Scheme 2023. Collection method: clinical testing. Allele origin: germline.
Comment: The c.1001A>T (p.H334L) alteration is located in exon 7 (coding exon 7) of the CAPN3 gene. This alteration results from an A to T substitution at nucleotide position 1001, causing the histidine (H) at amino acid position 334 to be replaced by a leucine (L). for autosomal recessive limb-girdle muscular dystrophy; however, its clinical significance for autosomal dominant limb-girdle muscular dystrophy is uncertain. Based on data from gnomAD, the T allele has an overall frequency of 0.001% (3/282620) total alleles studied. The highest observed frequency was 0.012% (3/24960) of African alleles. This variant has been identified in the homozygous state and/or in conjunction with other CAPN3 variant(s) in individual(s) with features consistent with autosomal recessive limb-girdle muscular dystrophy; in at least one instance, the variants were identified in trans (Nallamilli, 2018; external communication). This amino acid position is highly conserved in available vertebrate species. Based on internal structural analysis, this variant is anticipated to disrupt a region of known function (Ye, 2018; Ambry internal data). This alteration is predicted to be deleterious by in silico analysis. Based on the available evidence, this alteration is classified as pathogenic.

Women's Health and Genetics/Laboratory Corporation of America, LabCorp
Classification: Likely pathogenic for Autosomal recessive limb-girdle muscular dystrophy. Last evaluated: 2025-06-12. Review status: criteria provided, single submitter. Criteria: LabCorp Variant Classification Summary - May 2015. Collection method: clinical testing. Allele origin: germline.
Comment: Variant summary: CAPN3 c.1001A>T (p.His334Leu) results in a non-conservative amino acid change located in the Peptidase C2, calpain, catalytic domain (IPR001300) of the encoded protein sequence. Algorithms developed to predict the effect of missense changes on protein structure and function all suggest that this variant is likely to be disruptive. The variant allele was found at a frequency of 4e-06 in 251216 control chromosomes. c.1001A>T has been observed in individual(s) affected with Limb-Girdle Muscular Dystrophy, Autosomal Recessive (example: Groen_2007, Nallamilli_2018, Internal data) . These data indicate that the variant is likely to be associated with disease. The following publications have been ascertained in the context of this evaluation (PMID: 18055493, 30564623). ClinVar contains an entry for this variant (Variation ID: 285580). Based on the evidence outlined above, the variant was classified as likely pathogenic.

Athena Diagnostics
Classification: Uncertain significance. Last evaluated: 2025-02-21. Review status: criteria provided, single submitter. Criteria: Athena Diagnostics Criteria. Collection method: clinical testing. Allele origin: unknown.
Comment: Available data are insufficient to determine the clinical significance of the variant at this time. The frequency of this variant in the general population is uninformative in assessment of its pathogenicity. In our internal patient population, this variant is statistically more frequent than in the general population, which is weak evidence this variant may be disease causing. Polyphen and MutationTaster predict this amino acid change may be damaging to the protein. At least one other missense variant at this codon is considered to be pathogenic or likely pathogenic, suggesting this variant may also cause disease.

Revvity Omics, Revvity
Classification: Uncertain significance. Last evaluated: 2023-01-11. Review status: criteria provided, single submitter. Criteria: ACMG Guidelines, 2015. Collection method: clinical testing. Allele origin: germline.

CeGaT Center for Human Genetics Tuebingen
Classification: Likely pathogenic. Last evaluated: 2018-05-01. Review status: criteria provided, single submitter. Criteria: CeGaT Center For Human Genetics Tuebingen Variant Classification Criteria Version 2. Collection method: clinical testing. Allele origin: germline. Affected: yes. Observed: 1 variant allele.

Eurofins Ntd Llc (ga)
Classification: Uncertain significance. Last evaluated: 2017-06-15. Review status: criteria provided, single submitter. Criteria: EGL Classification Definitions 2015. Collection method: clinical testing. Allele origin: germline. Observed: 5 variant alleles, 4 heterozygotes, 1 homozygote.

Counsyl
Classification: Uncertain significance for Autosomal recessive limb-girdle muscular dystrophy type 2A. Last evaluated: 2018-03-20. Review status: no assertion criteria provided. Collection method: clinical testing. Allele origin: unknown. Not counted in ClinVar's aggregate classification.

Literature cited by the submitters: PubMed 30564623 (cited by 5 submitters); PubMed 18055493 (cited by 5 submitters); PubMed 9150160 (cited by Labcorp Genetics (formerly Invitae), Labcorp); PubMed 29382717 (cited by Ambry Genetics); PubMed 39283294 (cited by Athena Diagnostics).

NM_000070.3(CAPN3):c.1001A>T (p.His334Leu)

Gene: CAPN3 (calpain 3; plus strand). Cytogenetic location: 15q15.1.
Variant type: single nucleotide variant.
Coding change: c.1001A>T on transcript NM_000070.3 (MANE Select); coding-DNA position 1001, A replaced by T.
Protein change: p.His334Leu; replaces histidine 334 with leucine.
Molecular consequence: missense variant.
Genome position (GRCh38, 1-based): chr15:42,392,694, A>T. VCF-style: chr15-42392694-A-T. GRCh37 (hg19) VCF-style: chr15-42684892-A-T.
Other names: c.1001A>T, p.His334Leu (NM_024344.2); c.857A>T, p.His286Leu (NM_173087.2); short protein forms H334L, H286L.
Identifiers: ClinVar variation 285580 (VCV000285580.68), dbSNP rs749863676, ClinGen allele CA7511211.